The following is an entry in ClinVar:

NM_002386.4(MC1R):c.743G>T (p.Gly248Val)

Gene: MC1R (melanocortin 1 receptor; plus strand). Cytogenetic location: 16q24.3.
Variant type: single nucleotide variant.
Coding change: c.743G>T on transcript NM_002386.4 (MANE Select); coding-DNA position 743, G replaced by T.
Protein change: p.Gly248Val; replaces glycine 248 with valine.
Molecular consequence: missense variant.
Genome position (GRCh38, 1-based): chr16:89,920,001, G>T. VCF-style: chr16-89920001-G-T. GRCh37 (hg19) VCF-style: chr16-89986409-G-T.
Other names: short protein forms G248V.
Identifiers: ClinVar variation 3668900 (VCV003668900.2).
Genomic context (GRCh38, chr16:89,920,001, plus strand): 5'-AGCGCCCGGTCCACCAGGGCTTTGGCCTTAAAGGCGCTGTCACCCTCACCATCCTGCTGG[G>T]CATTTTCTTCCTCTGCTGGGGCCCCTTCTTCCTGCATCTCACACTCATCGTCCTCTGCCC-3'
Protein context (NP_002377.4, residues 238-258): KGAVTLTILL[Gly248Val]IFFLCWGPFF

ClinVar aggregate classification (germline): Uncertain significance (1 of 4 stars; one submission).

Conditions:
Melanoma, cutaneous malignant, susceptibility to, 5. Also called: Cutaneous malignant melanoma 5. Identifiers: Orphanet 618, MedGen C2751295, MONDO:0013133, OMIM 613099.

Submission:

Labcorp Genetics (formerly Invitae), Labcorp
Classification: Uncertain significance for Melanoma, cutaneous malignant, susceptibility to, 5. Last evaluated: 2025-10-18. Review status: criteria provided, single submitter. Criteria: Invitae Variant Classification Sherloc (09022015). Collection method: clinical testing. Allele origin: germline.
Comment: This sequence change replaces glycine, which is neutral and non-polar, with valine, which is neutral and non-polar, at codon 248 of the MC1R protein (p.Gly248Val). This variant is present in population databases (rs748780226, gnomAD 0.005%). This variant has not been reported in the literature in individuals affected with MC1R-related conditions. ClinVar contains an entry for this variant (Variation ID: 3668900). Invitae Evidence Modeling of protein sequence and biophysical properties (such as structural, functional, and spatial information, amino acid conservation, physicochemical variation, residue mobility, and thermodynamic stability) indicates that this missense variant is not expected to disrupt MC1R protein function with a negative predictive value of 80%. In summary, the available evidence is currently insufficient to determine the role of this variant in disease. Therefore, it has been classified as a Variant of Uncertain Significance.